The following is an entry in ClinVar:

ClinVar aggregate classification (germline): Uncertain significance (1 of 4 stars; one submission).

Conditions:
Inborn genetic diseases. Identifiers: MedGen C0950123, MeSH D030342.

Submission:

Ambry Genetics
Classification: Uncertain significance for Inborn genetic diseases. Last evaluated: 2025-07-29. Review status: criteria provided, single submitter. Criteria: Ambry Variant Classification Scheme 2023. Collection method: clinical testing. Allele origin: germline.
Comment: The c.1313T>G (p.I438R) alteration is located in exon 7 (coding exon 7) of the KCNH5 gene. This alteration results from a T to G substitution at nucleotide position 1313, causing the isoleucine (I) at amino acid position 438 to be replaced by an arginine (R). This variant was not reported in population-based cohorts in the Genome Aggregation Database (gnomAD). This amino acid position is highly conserved in available vertebrate species. This alteration is predicted to be deleterious by in silico analysis. Based on insufficient or conflicting evidence, the clinical significance of this alteration remains unclear.

NM_139318.5(KCNH5):c.1313T>G (p.Ile438Arg)

Gene: KCNH5 (potassium voltage-gated channel subfamily H member 5; minus strand). Cytogenetic location: 14q23.2.
Variant type: single nucleotide variant.
Coding change: c.1313T>G on transcript NM_139318.5 (MANE Select); coding-DNA position 1313, T replaced by G.
Protein change: p.Ile438Arg; replaces isoleucine 438 with arginine.
Molecular consequence: missense variant.
Genome position (GRCh38, 1-based): chr14:62,950,189, A>C on the plus strand (T>G on the coding strand, the complement: KCNH5 is on the minus strand). VCF-style: chr14-62950189-A-C. GRCh37 (hg19) VCF-style: chr14-63416907-A-C.
Other names: c.1313T>G, p.Ile438Arg (NM_172375.3); short protein forms I438R.
Identifiers: ClinVar variation 4041568 (VCV004041568.2).